The following is an entry in ClinVar:

ClinVar aggregate classification (germline): Likely benign. Review status: criteria provided, multiple submitters, no conflicts (2 of 4 stars). 3 submissions from 3 submitters: Likely benign (3). Last evaluated 2026-07-01.

Conditions:
Inborn genetic diseases. Identifiers: MedGen C0950123, MeSH D030342.

Allele frequency attached by ClinVar (database versions not stated): gnomAD below 0.00001 and 0.00005; TOPMed below 0.00001; gnomAD exomes 0.00008 and 0.00012; ExAC 0.00018.
gnomAD v4.1: 116 of 1,502,388 alleles (0.0077%); highest among the groups gnomAD compares: South Asian, 0.14%; 2 homozygotes.

Submissions (3):

CeGaT Center for Human Genetics Tuebingen
Classification: Likely benign. Last evaluated: 2026-07-01. Review status: criteria provided, single submitter. Criteria: CeGaT Center For Human Genetics Tuebingen Variant Classification Criteria Version 2. Collection method: clinical testing. Allele origin: germline. Affected: yes. Observed: 1 variant allele.
Comment: RERE: BP4, BS1

Ambry Genetics
Classification: Likely benign for Inborn genetic diseases. Last evaluated: 2025-10-22. Review status: criteria provided, single submitter. Criteria: Ambry Variant Classification Scheme 2023. Collection method: clinical testing. Allele origin: germline.

Labcorp Genetics (formerly Invitae), Labcorp
Classification: Likely benign. Last evaluated: 2017-11-06. Review status: criteria provided, single submitter. Criteria: Invitae Variant Classification Sherloc (09022015). Collection method: clinical testing. Allele origin: germline.

NM_001042681.2(RERE):c.2303C>T (p.Pro768Leu)

Gene: RERE (arginine-glutamic acid dipeptide repeats; minus strand). Cytogenetic location: 1p36.23.
Variant type: single nucleotide variant.
Coding change: c.2303C>T on transcript NM_001042681.2 (MANE Select); coding-DNA position 2303, C replaced by T.
Protein change: p.Pro768Leu; replaces proline 768 with leucine.
Molecular consequence: missense variant.
Genome position (GRCh38, 1-based): chr1:8,361,204, G>A on the plus strand (C>T on the coding strand, the complement: RERE is on the minus strand). VCF-style: chr1-8361204-G-A. GRCh37 (hg19) VCF-style: chr1-8421264-G-A.
Other names: c.641C>T, p.Pro214Leu (NM_001042682.2); c.2303C>T, p.Pro768Leu (NM_012102.4); short protein forms P214L, P768L.
Identifiers: ClinVar variation 721463 (VCV000721463.5), dbSNP rs769287721, ClinGen allele CA571391.